The following is an entry in ClinVar:

NM_001349338.3(FOXP1):c.728A>G (p.Glu243Gly)

Gene: FOXP1 (forkhead box P1; minus strand). Cytogenetic location: 3p13.
Variant type: single nucleotide variant.
Coding change: c.728A>G on transcript NM_001349338.3 (MANE Select); coding-DNA position 728, A replaced by G.
Protein change: p.Glu243Gly; replaces glutamic acid 243 with glycine.
Molecular consequence: missense variant. On other transcripts: non-coding transcript variant (2).
Genome position (GRCh38, 1-based): chr3:71,041,469, T>C on the plus strand (A>G on the coding strand, the complement: FOXP1 is on the minus strand). VCF-style: chr3-71041469-T-C. GRCh37 (hg19) VCF-style: chr3-71090620-T-C.
Other names: c.728A>G, p.Glu243Gly (NM_001244808.3, NM_001244810.2, NM_001244814.3 and 4 more transcripts); c.500A>G, p.Glu167Gly (NM_001244812.3); c.428A>G, p.Glu143Gly (NM_001244813.3, NM_001244815.2, NM_001349342.3 and 1 more transcripts); c.425A>G, p.Glu142Gly (NM_001349337.2, NM_001349343.3, NM_001349344.3); c.725A>G, p.Glu242Gly (NM_001349341.3); short protein forms E142G, E143G, E167G, E242G, E243G.
Identifiers: ClinVar variation 1712125 (VCV001712125.7), dbSNP rs753922162, ClinGen allele CA2491188.

ClinVar aggregate classification (germline): Conflicting classifications of pathogenicity. Review status: criteria provided, conflicting classifications (1 of 4 stars). 2 submissions from 2 submitters: Uncertain significance (1); Likely benign (1). Last evaluated 2024-12-24.

Allele frequency attached by ClinVar (database versions not stated): ExAC 0.00001; gnomAD exomes 0.00001.
gnomAD v4.1: 5 of 1,613,936 alleles (0.00031%); highest among the groups gnomAD compares: Admixed American, 0.0083%; no homozygotes.

Submissions (2):

Labcorp Genetics (formerly Invitae), Labcorp
Classification: Likely benign. Last evaluated: 2024-12-24. Review status: criteria provided, single submitter. Criteria: Invitae Variant Classification Sherloc (09022015). Collection method: clinical testing. Allele origin: germline.

GeneDx
Classification: Uncertain significance. Last evaluated: 2023-09-22. Review status: criteria provided, single submitter. Criteria: GeneDx Variant Classification Process June 2021. Collection method: clinical testing. Allele origin: germline. Affected: yes.
Comment: In silico analysis supports that this missense variant has a deleterious effect on protein structure/function; Has not been previously published as pathogenic or benign to our knowledge